The following is an entry in ClinVar:

ClinVar aggregate classification (germline): Uncertain significance (1 of 4 stars; one submission).

Conditions:
Bloom syndrome (BLM). Also called: Bloom-Torre-Machacek syndrome. Identifiers: Orphanet 125, MedGen C0005859, MONDO:0008876, OMIM 210900.

Submission:

Labcorp Genetics (formerly Invitae), Labcorp
Classification: Uncertain significance for Bloom syndrome. Last evaluated: 2024-07-23. Review status: criteria provided, single submitter. Criteria: Invitae Variant Classification Sherloc (09022015). Collection method: clinical testing. Allele origin: germline.
Comment: This sequence change replaces serine, which is neutral and polar, with asparagine, which is neutral and polar, at codon 527 of the BLM protein (p.Ser527Asn). This variant is not present in population databases (gnomAD no frequency). This variant has not been reported in the literature in individuals affected with BLM-related conditions. Advanced modeling of protein sequence and biophysical properties (such as structural, functional, and spatial information, amino acid conservation, physicochemical variation, residue mobility, and thermodynamic stability) performed at Invitae indicates that this missense variant is not expected to disrupt BLM protein function with a negative predictive value of 80%. In summary, the available evidence is currently insufficient to determine the role of this variant in disease. Therefore, it has been classified as a Variant of Uncertain Significance.

NM_000057.4(BLM):c.1580G>A (p.Ser527Asn)

Gene: BLM (BLM RecQ like helicase; plus strand). Cytogenetic location: 15q26.1.
Variant type: single nucleotide variant.
Coding change: c.1580G>A on transcript NM_000057.4 (MANE Select); coding-DNA position 1580, G replaced by A.
Protein change: p.Ser527Asn; replaces serine 527 with asparagine.
Molecular consequence: missense variant.
Genome position (GRCh38, 1-based): chr15:90,760,953, G>A. VCF-style: chr15-90760953-G-A. GRCh37 (hg19) VCF-style: chr15-91304183-G-A.
Other names: c.1580G>A, p.Ser527Asn (NM_001287246.2, NM_001287247.2); c.455G>A, p.Ser152Asn (NM_001287248.2); short protein forms S527N, S152N.
Identifiers: ClinVar variation 3695691 (VCV003695691.2).